The following is an entry in ClinVar:

NM_004990.4(MARS1):c.2244A>G (p.Ile748Met)

Gene: MARS1 (methionyl-tRNA synthetase 1; plus strand). Cytogenetic location: 12q13.3.
Variant type: single nucleotide variant.
Coding change: c.2244A>G on transcript NM_004990.4 (MANE Select); coding-DNA position 2244, A replaced by G.
Protein change: p.Ile748Met; replaces isoleucine 748 with methionine.
Molecular consequence: missense variant.
Genome position (GRCh38, 1-based): chr12:57,515,189, A>G. VCF-style: chr12-57515189-A-G. GRCh37 (hg19) VCF-style: chr12-57908972-A-G.
Other names: short protein forms I748M.
Identifiers: ClinVar variation 2924327 (VCV002924327.3), dbSNP rs1236763103, ClinGen allele CA385466107.
Genomic context (GRCh38, chr12:57,515,189, plus strand): 5'-CTAATGTCTCCTCTTCCTCAGGCAACGGGCAGGAACAGTGACTGGCTTGGCAGTGAATAT[A>G]GCTGCCTTGCTCTCTGTCATGCTTCAGCCTTACATGCCCACGGTTAGTGCCACAATCCAG-3'
Protein context (NP_004981.2, residues 738-758): AGTVTGLAVN[Ile748Met]AALLSVMLQP

ClinVar aggregate classification (germline): Uncertain significance (1 of 4 stars; one submission).

Conditions:
Severe early-onset pulmonary alveolar proteinosis due to MARS deficiency. Also called: PULMONARY ALVEOLAR PROTEINOSIS, REUNION ISLAND; Interstitial lung and liver disease. Identifiers: Orphanet 440427, MedGen C4225400, MONDO:0014206, OMIM 615486.
Charcot-Marie-Tooth disease axonal type 2U. Also called: CHARCOT-MARIE-TOOTH NEUROPATHY, TYPE 2U; CHARCOT-MARIE-TOOTH DISEASE, AXONAL, AUTOSOMAL DOMINANT, TYPE 2U. Identifiers: Orphanet 397735, MedGen C4084821, MONDO:0014566, OMIM 616280.

Submission:

Labcorp Genetics (formerly Invitae), Labcorp
Classification: Uncertain significance for Charcot-Marie-Tooth disease axonal type 2U; Severe early-onset pulmonary alveolar proteinosis due to MARS deficiency. Last evaluated: 2023-04-25. Review status: criteria provided, single submitter. Criteria: Invitae Variant Classification Sherloc (09022015). Collection method: clinical testing. Allele origin: germline.
Comment: This variant has not been reported in the literature in individuals affected with MARS-related conditions. In summary, the available evidence is currently insufficient to determine the role of this variant in disease. Therefore, it has been classified as a Variant of Uncertain Significance. Algorithms developed to predict the effect of missense changes on protein structure and function output the following: SIFT: "Not Available"; PolyPhen-2: "Benign"; Align-GVGD: "Not Available". The methionine amino acid residue is found in multiple mammalian species, which suggests that this missense change does not adversely affect protein function. This variant is not present in population databases (gnomAD no frequency). This sequence change replaces isoleucine, which is neutral and non-polar, with methionine, which is neutral and non-polar, at codon 748 of the MARS protein (p.Ile748Met).